The following is an entry in ClinVar:

ClinVar aggregate classification (germline): Pathogenic (1 of 4 stars; one submission).

Submission:

Labcorp Genetics (formerly Invitae), Labcorp
Classification: Pathogenic. Last evaluated: 2024-04-22. Review status: criteria provided, single submitter. Criteria: Invitae Variant Classification Sherloc (09022015). Collection method: clinical testing. Allele origin: germline.
Comment: This sequence change creates a premature translational stop signal (p.Gly2499Glufs*32) in the PCNT gene. It is expected to result in an absent or disrupted protein product. Loss-of-function variants in PCNT are known to be pathogenic (PMID: 18174396, 22821869). This variant is not present in population databases (gnomAD no frequency). This variant has not been reported in the literature in individuals affected with PCNT-related conditions. Algorithms developed to predict the effect of sequence changes on RNA splicing suggest that this variant may disrupt the consensus splice site. For these reasons, this variant has been classified as Pathogenic.

Literature cited by the submitters: PubMed 18174396; PubMed 22821869.

NC_000021.9:g.46428396del

Gene: PCNT (pericentrin; plus strand). Cytogenetic location: 21q22.3.
Variant type: Deletion.
Genome position: GRCh38 VCF-style: chr21-46428393-AG-A. GRCh37 (hg19) VCF-style: chr21-47848307-AG-A.
Identifiers: ClinVar variation 3681919 (VCV003681919.2).